The following is an entry in ClinVar:

ClinVar aggregate classification (germline): Likely pathogenic (1 of 4 stars; one submission).

Conditions:
Autism spectrum disorder - epilepsy - arthrogryposis syndrome (AMRS). Identifiers: Orphanet 370943, MedGen C3809910, MONDO:0014248, OMIM 615553.

Submission:

Natera, Inc.
Classification: Likely pathogenic for Arthrogryposis, mental retardation, and seizures. Last evaluated: 2025-12-10. Review status: criteria provided, single submitter. Criteria: Natera Variant Classification Schema (03/2026). Collection method: clinical testing. Allele origin: germline.
Comment: The c.598del variant in SLC35A3 is a frameshift variant predicted to shift the reading frame beginning at codon 200 and leads to a stop codon 7 codons downstream. This variant is expected to result in nonsense mediated decay, truncation, or a dysfunctional protein product. This variant is rare in the general population with a frequency below the threshold expected for the associated phenotype(s). Given the available evidence, this variant is classified as Likely Pathogenic.

NM_012243.3(SLC35A3):c.598del (p.Thr200fs)

Gene: SLC35A3 (solute carrier family 35 member A3; plus strand). Cytogenetic location: 1p21.2.
Variant type: Deletion.
Coding change: c.598del on transcript NM_012243.3 (MANE Select); coding-DNA position 598, one base deleted (A; older notation c.598delA).
Protein change: p.Thr200fs; shifts the reading frame from threonine 200.
Molecular consequence: frameshift variant.
Genome position (GRCh38, 1-based): chr1:100,011,497, A deleted; the last of 3 consecutive A bases (chr1:100,011,495-100,011,497); deleting any one gives the same sequence. VCF-style (leftmost placement, unchanged base first): chr1-100011494-GA-G. GRCh37 (hg19) VCF-style: chr1-100477050-GA-G.
Other names: c.598del, p.Thr200fs (NM_001271684.2, NM_001438725.1, NM_001438728.1); c.724del, p.Thr242fs (NM_001271685.2); c.475del, p.Thr159fs (NM_001437713.1, NM_001437717.1, NM_001438729.1); short protein forms T159fs, T200fs, T242fs.
Identifiers: ClinVar variation 4815560 (VCV004815560.1).